The following is an entry in ClinVar:

NM_001267550.2(TTN):c.106588C>A (p.Pro35530Thr)

Genes: TTN-AS1 (TTN antisense RNA 1; plus strand), TTN (titin; minus strand). Cytogenetic location: 2q31.2.
Variant type: single nucleotide variant.
Coding change: c.106588C>A on transcript NM_001267550.2 (MANE Select); coding-DNA position 106588, C replaced by A.
Protein change: p.Pro35530Thr; replaces proline 35530 with threonine.
Molecular consequence: missense variant.
Genome position (GRCh38, 1-based): chr2:178,529,163, G>T on the plus strand (C>A on the coding strand, the complement: TTN is on the minus strand). VCF-style: chr2-178529163-G-T. GRCh37 (hg19) VCF-style: chr2-179393890-G-T.
Other names: c.101665C>A, p.Pro33889Thr (NM_001256850.1); c.79393C>A, p.Pro26465Thr (NM_003319.4); c.98884C>A, p.Pro32962Thr (NM_133378.4); c.79768C>A, p.Pro26590Thr (NM_133432.3); c.79969C>A, p.Pro26657Thr (NM_133437.4); short protein forms P26465T, P26657T, P26590T, P33889T, P35530T, P32962T.
Identifiers: ClinVar variation 2921761 (VCV002921761.3), dbSNP rs2468313013, ClinGen allele CA349404260.
Genomic context (GRCh38, chr2:178,529,163, plus strand): 5'-TTTCTTCAGACCTTAGGGCTTTTTGGGAAATTTCCTCTTGGACAACAGCTTTCTTCTGAG[G>T]TGTAATTTCAGAAGTCTTTTGTGTAGAGACTTTCTGTGCCTCAGTATCTTTTATAGCTAA-3'
Protein context (NP_001254479.2, residues 35520-35540): VSTQKTSEIT[Pro35530Thr]QKKAVVQEEI

ClinVar aggregate classification (germline): Uncertain significance (1 of 4 stars; one submission).

Conditions:
Dilated cardiomyopathy 1G (CMD1G). Identifiers: Orphanet 154, MedGen C1858763, MONDO:0011400, OMIM 604145.
Autosomal recessive limb-girdle muscular dystrophy type 2J (LGMDR10). Also called: Limb-girdle muscular dystrophy, type 2J; MUSCULAR DYSTROPHY, LIMB-GIRDLE, AUTOSOMAL RECESSIVE 10. Identifiers: Orphanet 140922, MedGen C1837342, MONDO:0012127, OMIM 608807.

gnomAD v4.1: 1 of 1,553,170 alleles (0.000064%); highest among the groups gnomAD compares: Non-Finnish European, 0.000087%; no homozygotes.

Submission:

Labcorp Genetics (formerly Invitae), Labcorp
Classification: Uncertain significance for Dilated cardiomyopathy 1G; Autosomal recessive limb-girdle muscular dystrophy type 2J. Last evaluated: 2023-12-28. Review status: criteria provided, single submitter. Criteria: Invitae Variant Classification Sherloc (09022015). Collection method: clinical testing. Allele origin: germline.
Comment: This sequence change replaces proline, which is neutral and non-polar, with threonine, which is neutral and polar, at codon 35530 of the TTN protein (p.Pro35530Thr). This variant is not present in population databases (gnomAD no frequency). This variant has not been reported in the literature in individuals affected with TTN-related conditions. Experimental studies and prediction algorithms are not available or were not evaluated, and the functional significance of this variant is currently unknown. This variant is located in the M band of TTN (PMID: 25589632). Non-truncating variants in this region may be relevant for neuromuscular disorders, but have not been definitively shown to cause cardiomyopathy (PMID: 23975875). In summary, the available evidence is currently insufficient to determine the role of this variant in disease. Therefore, it has been classified as a Variant of Uncertain Significance.

Literature cited by the submitters: PubMed 25589632; PubMed 23975875.